The following is an entry in ClinVar:

ClinVar aggregate classification (germline): Likely benign (1 of 4 stars; one submission).

gnomAD v4.1: 297 of 1,460,950 alleles (0.02%); highest among the groups gnomAD compares: South Asian, 0.37%; 3 homozygotes.

Submission:

CeGaT Center for Human Genetics Tuebingen
Classification: Likely benign. Last evaluated: 2026-04-01. Review status: criteria provided, single submitter. Criteria: CeGaT Center For Human Genetics Tuebingen Variant Classification Criteria Version 2. Collection method: clinical testing. Allele origin: germline. Affected: yes. Observed: 1 variant allele.
Comment: CIAO1: BP4, BP7

NM_004804.3(CIAO1):c.9C>T (p.Asp3=)

Gene: CIAO1 (cytosolic iron-sulfur assembly component 1; plus strand). Cytogenetic location: 2q11.2.
Variant type: single nucleotide variant.
Coding change: c.9C>T on transcript NM_004804.3 (MANE Select); coding-DNA position 9, C replaced by T.
Protein change: p.Asp3=; no amino-acid change (aspartic acid 3 retained).
Molecular consequence: synonymous variant.
Genome position (GRCh38, 1-based): chr2:96,266,359, C>T. VCF-style: chr2-96266359-C-T. GRCh37 (hg19) VCF-style: chr2-96932097-C-T.
Identifiers: ClinVar variation 4873079 (VCV004873079.2).